The following is an entry in ClinVar:

NM_000742.4(CHRNA2):c.-136-189G>C

Gene: CHRNA2 (cholinergic receptor nicotinic alpha 2 subunit; minus strand). Cytogenetic location: 8p21.2.
Variant type: single nucleotide variant.
Coding change: c.-136-189G>C on transcript NM_000742.4 (MANE Select); 189 bases into the intron before 136 bases upstream of the start codon, G replaced by C.
Molecular consequence: intron variant.
Genome position (GRCh38, 1-based): chr8:27,471,383, C>G on the plus strand (G>C on the coding strand, the complement: CHRNA2 is on the minus strand). VCF-style: chr8-27471383-C-G. GRCh37 (hg19) VCF-style: chr8-27328900-C-G.
Other names: c.-563-189G>C (NM_001347705.2); c.-136-189G>C (NM_001282455.2); c.-597-189G>C (NM_001347708.2); c.-608-189G>C (NM_001347706.2); c.-549-189G>C (NM_001347707.2).
Identifiers: ClinVar variation 677332 (VCV000677332.1), dbSNP rs61507083, ClinGen allele CA174249314.

ClinVar aggregate classification (germline): Benign (1 of 4 stars; one submission).

Allele frequency attached by ClinVar (database versions not stated): gnomAD exomes 0.00485; gnomAD 0.03518; TOPMed 0.04054; 1000 Genomes Project 0.04293; 1000 Genomes Project 30x 0.04482.

Submission:

GeneDx
Classification: Benign. Last evaluated: 2018-06-14. Review status: criteria provided, single submitter. Criteria: GeneDx Variant Classification (06012015). Collection method: clinical testing. Allele origin: germline. Affected: yes.
Comment: This variant is considered likely benign or benign based on one or more of the following criteria: it is a conservative change, it occurs at a poorly conserved position in the protein, it is predicted to be benign by multiple in silico algorithms, and/or has population frequency not consistent with disease.